The following is an entry in ClinVar:

ClinVar aggregate classification (germline): Pathogenic (1 of 4 stars; one submission).

Conditions:
Cholestanol storage disease (CTX). Also called: CEREBRAL CHOLESTERINOSIS; Cerebrotendinous Xanthomatosis; CTX: Cerebrotendinous xanthomatosis. Identifiers: Orphanet 909, MedGen C0238052, MONDO:0008948, OMIM 213700.

Submission:

Myriad Genetics, Inc.
Classification: Pathogenic for Cholestanol storage disease. Last evaluated: 2023-09-27. Review status: criteria provided, single submitter. Criteria: Myriad Autosomal Dominant, Autosomal Recessive and X-Linked Classification Criteria (2023). Collection method: clinical testing. Allele origin: unknown.
Comment: NM_000784.3(CYP27A1):c.438dupG(F147Vfs*34) is expected to be pathogenic in the context of cerebrotendinous xanthomatosis. This variant is predicted to lead to an abnormal or absent protein product due to the creation of a premature termination codon in CYP27A1, a gene where loss-of-function variants are known to be pathogenic. Please note: this variant was assessed in the context of healthy population screening.

NM_000784.4(CYP27A1):c.438dup (p.Phe147fs)

Gene: CYP27A1 (cytochrome P450 family 27 subfamily A member 1; plus strand). Cytogenetic location: 2q35.
Variant type: Duplication.
Coding change: c.438dup on transcript NM_000784.4 (MANE Select); coding-DNA position 438, one base duplicated (G; older notation c.438dupG).
Protein change: p.Phe147fs; shifts the reading frame from phenylalanine 147.
Molecular consequence: frameshift variant.
Genome position (GRCh38, 1-based): chr2:218,809,759, G duplicated. VCF-style (leftmost placement, unchanged base first): chr2-218809758-C-CG. GRCh37 (hg19) VCF-style: chr2-219674481-C-CG.
Other names: short protein forms F147fs.
Identifiers: ClinVar variation 5012045 (VCV005012045.1).
Genomic context (GRCh38, chr2:218,809,758, plus strand): 5'-TACGGAACGACATGGAGCTATGGAAGGAGCACCGGGACCAGCACGACCTGACCTATGGGC[C>CG]GTTCACCACGTGAGCTGGGGCCTGAAGGGACTGGAACAGGGCCCCAGAGGGCCAGGGCGA-3'